The following is an entry in ClinVar:

ClinVar aggregate classification (germline): Uncertain significance (1 of 4 stars; one submission).

Allele frequency attached by ClinVar (database versions not stated): ExAC 0.00001; TOPMed 0.00002.
gnomAD v4.1: 8 of 1,608,824 alleles (0.0005%); highest among the groups gnomAD compares: Admixed American, 0.013%; no homozygotes.

Submission:

Labcorp Genetics (formerly Invitae), Labcorp
Classification: Uncertain significance. Last evaluated: 2023-10-25. Review status: criteria provided, single submitter. Criteria: Invitae Variant Classification Sherloc (09022015). Collection method: clinical testing. Allele origin: germline.
Comment: This sequence change replaces methionine, which is neutral and non-polar, with lysine, which is basic and polar, at codon 518 of the IKZF1 protein (p.Met518Lys). This variant is present in population databases (rs763387904, gnomAD 0.01%). This missense change has been observed in individual(s) with acute lymphoblastic leukemia (PMID: 29681510). ClinVar contains an entry for this variant (Variation ID: 1971761). An algorithm developed to predict the effect of missense changes on protein structure and function (PolyPhen-2) suggests that this variant is likely to be tolerated. Experimental studies have shown that this missense change does not substantially affect IKZF1 function (PMID: 29681510). In summary, the available evidence is currently insufficient to determine the role of this variant in disease. Therefore, it has been classified as a Variant of Uncertain Significance.

Literature cited by the submitters: PubMed 29681510.

NM_006060.6(IKZF1):c.1553T>A (p.Met518Lys)

Gene: IKZF1 (IKAROS family zinc finger 1; plus strand). Cytogenetic location: 7p12.2.
Variant type: single nucleotide variant.
Coding change: c.1553T>A on transcript NM_006060.6 (MANE Select); coding-DNA position 1553, T replaced by A.
Protein change: p.Met518Lys; replaces methionine 518 with lysine.
Molecular consequence: missense variant.
Genome position (GRCh38, 1-based): chr7:50,400,620, T>A. VCF-style: chr7-50400620-T-A. GRCh37 (hg19) VCF-style: chr7-50468318-T-A.
Other names: c.1427T>A, p.Met476Lys (NM_001220765.3, NM_001291837.2); c.1262T>A, p.Met421Lys (NM_001220767.2); c.1292T>A, p.Met431Lys (NM_001220768.2, NM_001291838.2); c.1136T>A, p.Met379Lys (NM_001220770.2); c.1124T>A, p.Met375Lys (NM_001220771.2, NM_001291841.1); c.1166T>A, p.Met389Lys (NM_001291839.2); c.863T>A, p.Met288Lys (NM_001291840.1); c.1094T>A, p.Met365Lys (NM_001291842.1); and 3 more; short protein forms M333K, M431K, M288K, M323K, M389K, M421K, M518K, M538K.
Identifiers: ClinVar variation 1971761 (VCV001971761.5), dbSNP rs763387904, ClinGen allele CA4261535.
Genomic context (GRCh38, chr7:50,400,620, plus strand): 5'-ACAGCCAGGACCGGTACGAGTTCTCGTCGCACATAACGCGAGGGGAGCACCGCTTCCACA[T>A]GAGCTAAAGCCCTCCCGCGCCCCCACCCCAGACCCCGAGCCACCCCAGGAAAAGCACAAG-3'
Protein context (NP_006051.1, residues 508-519): HITRGEHRFH[Met518Lys]S